The following is an entry in ClinVar:

NM_144999.4(LRRC45):c.1305G>C (p.Lys435Asn)

Gene: LRRC45 (leucine rich repeat containing 45; plus strand). Cytogenetic location: 17q25.3.
Variant type: single nucleotide variant.
Coding change: c.1305G>C on transcript NM_144999.4 (MANE Select); coding-DNA position 1305, G replaced by C.
Protein change: p.Lys435Asn; replaces lysine 435 with asparagine.
Molecular consequence: missense variant.
Genome position (GRCh38, 1-based): chr17:82,028,680, G>C. VCF-style: chr17-82028680-G-C. GRCh37 (hg19) VCF-style: chr17-79986556-G-C.
Other names: short protein forms K435N.
Identifiers: ClinVar variation 4991820 (VCV004991820.1).

ClinVar aggregate classification (germline): Uncertain significance (1 of 4 stars; one submission).

Conditions:
LRRC45-related disorder. Also called: LRRC45-related condition.

gnomAD v4.1: 1 of 1,612,144 alleles (0.000062%); highest among the groups gnomAD compares: African/African-American, 0.0013%; no homozygotes.

Submission:

PreventionGenetics, part of Exact Sciences
Classification: Uncertain significance for LRRC45-related condition. Last evaluated: 2026-09-20. Review status: criteria provided, single submitter. Criteria: ACMG Guidelines, 2015. Collection method: clinical testing. Allele origin: germline.
Comment: The LRRC45 c.1305G>C variant is predicted to result in the amino acid substitution p.Lys435Asn. To our knowledge, this variant has not been reported in the literature or in a large population database (gnomAD), indicating this variant is rare. At this time, the clinical significance of this variant is uncertain due to the absence of conclusive functional and genetic evidence.